The following is an entry in ClinVar:

NM_014704.4(CEP104):c.423T>C (p.Asn141=)

Gene: CEP104 (centrosomal protein 104; minus strand). Cytogenetic location: 1p36.32.
Variant type: single nucleotide variant.
Coding change: c.423T>C on transcript NM_014704.4 (MANE Select); coding-DNA position 423, T replaced by C.
Protein change: p.Asn141=; no amino-acid change (asparagine 141 retained).
Molecular consequence: synonymous variant.
Genome position (GRCh38, 1-based): chr1:3,847,478, A>G on the plus strand (T>C on the coding strand, the complement: CEP104 is on the minus strand). VCF-style: chr1-3847478-A-G. GRCh37 (hg19) VCF-style: chr1-3764042-A-G.
Identifiers: ClinVar variation 5000962 (VCV005000962.1).
Genomic context (GRCh38, chr1:3,847,478, plus strand): 5'-CATAATCCCACAAAGAAGGTAGGGGCAGAATCAAAGGCGAAGCTGCATGCATCTTACCTG[A>G]TTATATATGTTGTATTTGTTGACATGGTTTTGGTGAAAAATCAGTTTAAGAAATTGTCCT-3'
Protein context (NP_055519.1, residues 131-151): QNHVNKYNIY[Asn141=]QVALVAINII

ClinVar aggregate classification (germline): Likely benign (1 of 4 stars; one submission).

Conditions:
CEP104-related disorder. Also called: CEP104-related condition.

gnomAD v4.1: 2 of 1,598,734 alleles (0.00013%); highest among the groups gnomAD compares: African/African-American, 0.0027%; no homozygotes.

Submission:

PreventionGenetics, part of Exact Sciences
Classification: Likely benign for CEP104-related condition. Last evaluated: 2025-01-08. Review status: criteria provided, single submitter. Criteria: ACMG Guidelines, 2015. Collection method: clinical testing. Allele origin: germline.
Comment: This variant is classified as likely benign based on ACMG/AMP sequence variant interpretation guidelines (Richards et al. 2015 PMID: 25741868, with internal and published modifications).